The following is an entry in ClinVar:

NC_000005.10:g.112707452T>C

Gene: APC (APC regulator of Wnt signaling pathway; plus strand). Cytogenetic location: 5q22.2.
Variant type: single nucleotide variant.
Genome position: GRCh38 VCF-style: chr5-112707452-T-C. GRCh37 (hg19) VCF-style: chr5-112043149-T-C.
Identifiers: ClinVar variation 537695 (VCV000537695.9), dbSNP rs866427693, ClinGen allele CA124924689.

ClinVar aggregate classification (germline): Uncertain significance (1 of 4 stars; one submission).

Conditions:
Familial adenomatous polyposis 1 (FAP1). Also called: FAMILIAL ADENOMATOUS POLYPOSIS 1, ATTENUATED; POLYPOSIS, ADENOMATOUS INTESTINAL. Identifiers: MedGen C2713442, MONDO:0021056, OMIM 175100. Disease mechanism: loss of function.

Submission:

Labcorp Genetics (formerly Invitae), Labcorp
Classification: Uncertain significance for Familial adenomatous polyposis 1. Last evaluated: 2025-07-06. Review status: criteria provided, single submitter. Criteria: Invitae Variant Classification Sherloc (09022015). Collection method: clinical testing. Allele origin: germline.
Comment: This variant occurs in a non-coding region of the APC gene. It does not change the encoded amino acid sequence of the APC protein. This variant is not present in population databases (gnomAD no frequency). This variant has not been reported in the literature in individuals affected with APC-related conditions. ClinVar contains an entry for this variant (Variation ID: 537695). Experimental studies and prediction algorithms are not available or were not evaluated, and the functional significance of this variant is currently unknown. In summary, the available evidence is currently insufficient to determine the role of this variant in disease. Therefore, it has been classified as a Variant of Uncertain Significance.